The following is an entry in ClinVar:

ClinVar aggregate classification (germline): Conflicting classifications of pathogenicity. Review status: criteria provided, conflicting classifications (1 of 4 stars). 4 submissions from 4 submitters: Uncertain significance (1); Likely benign (3). Last evaluated 2025-04-09.

Conditions:
Hereditary diffuse gastric adenocarcinoma (HDGC). Also called: DIFFUSE GASTRIC AND LOBULAR BREAST CANCER SYNDROME. Identifiers: Orphanet 26106, MedGen C1708349, MONDO:0007648, OMIM 137215.
Hereditary cancer-predisposing syndrome. Also called: Tumor predisposition; Neoplastic Syndromes, Hereditary; Hereditary Cancer Syndrome; Hereditary neoplastic syndrome. Identifiers: Orphanet 140162, MedGen C0027672, MeSH D009386, MONDO:0015356.

Allele frequency attached by ClinVar (database versions not stated): gnomAD below 0.00001 and 0.00001; gnomAD exomes 0.00003 and 0.00006; ExAC 0.00005.
gnomAD v4.1: 41 of 1,614,076 alleles (0.0025%); highest among the groups gnomAD compares: South Asian, 0.045%; no homozygotes.

Submissions (4):

Labcorp Genetics (formerly Invitae), Labcorp
Classification: Uncertain significance for Hereditary diffuse gastric adenocarcinoma. Last evaluated: 2025-04-09. Review status: criteria provided, single submitter. Criteria: Invitae Variant Classification Sherloc (09022015). Collection method: clinical testing. Allele origin: germline.
Comment: This sequence change replaces asparagine, which is neutral and polar, with serine, which is neutral and polar, at codon 387 of the CDH1 protein (p.Asn387Ser). This variant is present in population databases (rs779426744, gnomAD 0.05%), and has an allele count higher than expected for a pathogenic variant. This variant has not been reported in the literature in individuals affected with CDH1-related conditions. ClinVar contains an entry for this variant (Variation ID: 629920). An algorithm developed to predict the effect of missense changes on protein structure and function (PolyPhen-2) suggests that this variant is likely to be tolerated. In summary, the available evidence is currently insufficient to determine the role of this variant in disease. Therefore, it has been classified as a Variant of Uncertain Significance.

Ambry Genetics
Classification: Likely benign for Hereditary cancer-predisposing syndrome. Last evaluated: 2024-10-31. Review status: criteria provided, single submitter. Criteria: Ambry Variant Classification Scheme 2023. Collection method: clinical testing. Allele origin: germline.

Sema4
Classification: Likely benign for Hereditary cancer-predisposing syndrome. Last evaluated: 2022-01-02. Review status: criteria provided, single submitter. Criteria: Sema4 Curation Guidelines. Collection method: curation. Allele origin: germline.

Color Diagnostics, LLC DBA Color Health
Classification: Likely benign for Hereditary cancer-predisposing syndrome. Last evaluated: 2020-02-03. Review status: criteria provided, single submitter. Criteria: ACMG Guidelines, 2015. Collection method: clinical testing. Allele origin: germline.

NM_004360.5(CDH1):c.1160A>G (p.Asn387Ser)

Gene: CDH1 (cadherin 1; plus strand). Cytogenetic location: 16q22.1.
Variant type: single nucleotide variant.
Coding change: c.1160A>G on transcript NM_004360.5 (MANE Select); coding-DNA position 1160, A replaced by G.
Protein change: p.Asn387Ser; replaces asparagine 387 with serine.
Molecular consequence: missense variant. On other transcripts: 5 prime UTR variant (2), intron variant (1).
Genome position (GRCh38, 1-based): chr16:68,813,335, A>G. VCF-style: chr16-68813335-A-G. GRCh37 (hg19) VCF-style: chr16-68847238-A-G.
Other names: c.-456A>G (NM_001317185.2); c.-660A>G (NM_001317186.2); c.1137+1072A>G (NM_001317184.2); short protein forms N387S.
Identifiers: ClinVar variation 629920 (VCV000629920.13), dbSNP rs779426744, ClinGen allele CA8130017.